The following is an entry in ClinVar:

ClinVar aggregate classification (germline): Uncertain significance (1 of 4 stars; one submission).

Submission:

Greenwood Genetic Center Diagnostic Laboratories, Greenwood Genetic Center
Classification: Uncertain significance. Last evaluated: 2024-05-16. Review status: criteria provided, single submitter. Criteria: ACMG Guidelines, 2015. Collection method: clinical testing. Allele origin: germline. Affected: yes.
Comment: Gene of Uncertain Significance

NM_016148.5(SHANK1):c.3276_3281del (p.Ser1093_Ala1094del)

Gene: SHANK1 (SH3 and multiple ankyrin repeat domains 1; minus strand). Cytogenetic location: 19q13.33.
Variant type: Deletion.
Coding change: c.3276_3281del on transcript NM_016148.5 (MANE Select); coding-DNA positions 3276 to 3281, 6 bases deleted (CAGCGC; older notation c.3276_3281delCAGCGC).
Protein change: p.Ser1093_Ala1094del.
Molecular consequence: inframe deletion.
Genome position (GRCh38, 1-based): chr19:50,668,679-50,668,684, GCGCTG deleted on the plus strand (CAGCGC on the coding strand, the reverse complement: SHANK1 is on the minus strand); deleting any 6 consecutive bases within chr19:50,668,679-50,668,686 gives the same sequence; the c. name uses the placement nearest the transcript's 3' end. VCF-style (leftmost placement, unchanged base first): chr19-50668678-TGCGCTG-T. GRCh37 (hg19) VCF-style: chr19-51171935-TGCGCTG-T.
Identifiers: ClinVar variation 3338507 (VCV003338507.1).